The following is an entry in ClinVar:

ClinVar aggregate classification (germline): Uncertain significance (1 of 4 stars; one submission).

gnomAD v4.1: 1 of 1,613,996 alleles (0.000062%); highest among the groups gnomAD compares: Non-Finnish European, 0.000085%; no homozygotes.

Submission:

Ambry Genetics
Classification: Uncertain significance. Last evaluated: 2025-03-20. Review status: criteria provided, single submitter. Criteria: Ambry Variant Classification Scheme 2023. Collection method: clinical testing. Allele origin: germline.
Comment: The p.H194Q variant (also known as c.582C>G), located in coding exon 1 of the CDK12 gene, results from a C to G substitution at nucleotide position 582. The histidine at codon 194 is replaced by glutamine, an amino acid with highly similar properties. This amino acid position is conserved. In addition, this alteration is predicted to be tolerated by in silico analysis. Based on the available evidence, the clinical significance of this variant remains unclear.

NM_016507.4(CDK12):c.582C>G (p.His194Gln)

Genes: CDK12 (cyclin dependent kinase 12; plus strand), LOC126862553 (CDK7 strongly-dependent group 2 enhancer GRCh37_chr17:37618166-37619365; plus strand). Cytogenetic location: 17q12.
Variant type: single nucleotide variant.
Coding change: c.582C>G on transcript NM_016507.4 (MANE Select); coding-DNA position 582, C replaced by G.
Protein change: p.His194Gln; replaces histidine 194 with glutamine.
Molecular consequence: missense variant.
Genome position (GRCh38, 1-based): chr17:39,462,653, C>G. VCF-style: chr17-39462653-C-G. GRCh37 (hg19) VCF-style: chr17-37618906-C-G.
Other names: c.582C>G, p.His194Gln (NM_015083.4); short protein forms H194Q.
Identifiers: ClinVar variation 3999241 (VCV003999241.1).